The following is an entry in ClinVar:

ClinVar aggregate classification (germline): Uncertain significance/VUS-low. Review status: criteria provided, multiple submitters, no conflicts (2 of 4 stars). 2 submissions from 2 submitters: Uncertain significance (1); VUS-low (1). Last evaluated 2025-04-02.

Conditions:
Familial hypobetalipoproteinemia 1. Also called: APOB-Related Familial Hypobetalipoproteinemia; Hypobetalipoproteinemia, normotriglyceridemic; Acanthocytosis with hypobetalipoproteinemia. Identifiers: MedGen C4551990, MONDO:0014252, OMIM 615558.
Hypercholesterolemia, autosomal dominant, type B (FHCL2). Also called: APOLIPOPROTEIN B-100, FAMILIAL DEFECTIVE; APOLIPOPROTEIN B-100, FAMILIAL LIGAND-DEFECTIVE; HYPERCHOLESTEROLEMIA, FAMILIAL, DUE TO LIGAND-DEFECTIVE APOLIPOPROTEIN B; Hyperlipoproteinemia Type IIb; Familial Hypercholesterolemia Type B; Familial hypercholesterolemia 2. Identifiers: MedGen C1704417, MONDO:0007751, OMIM 144010.

Submissions (2):

Labcorp Genetics (formerly Invitae), Labcorp
Classification: Uncertain significance for Familial hypobetalipoproteinemia 1; Hypercholesterolemia, autosomal dominant, type B. Last evaluated: 2025-04-02. Review status: criteria provided, single submitter. Criteria: Invitae Variant Classification Sherloc (09022015). Collection method: clinical testing. Allele origin: germline.
Comment: This sequence change replaces isoleucine, which is neutral and non-polar, with methionine, which is neutral and non-polar, at codon 574 of the APOB protein (p.Ile574Met). This variant is not present in population databases (gnomAD no frequency). This variant has not been reported in the literature in individuals affected with APOB-related conditions. Invitae Evidence Modeling of protein sequence and biophysical properties (such as structural, functional, and spatial information, amino acid conservation, physicochemical variation, residue mobility, and thermodynamic stability) indicates that this missense variant is not expected to disrupt APOB protein function with a negative predictive value of 95%. In summary, the available evidence is currently insufficient to determine the role of this variant in disease. Therefore, it has been classified as a Variant of Uncertain Significance.

Department of Pediatrics, The First Affiliated Hospital of Wenzhou Medical University
Classification: VUS-low for Hypercholesterolemia, autosomal dominant, type B. Last evaluated: 2024-03-26. Review status: criteria provided, single submitter. Criteria: ACMG Guidelines, 2015. Collection method: research. Allele origin: paternal. Inheritance: Autosomal dominant inheritance. Affected: yes.
Comment: This variant was classified according to the ACMG/AMP guidelines (Richards et al., 2015). PM2: Not observed in gnomAD or other large population databases. However, in silico predictions are conflicting or benign: SIFT predicts tolerated; CADD score suggests likely benign; MutationTaster predicts benign. PP3 is not met due to conflicting computational evidence. No functional studies or additional familial segregation data are currently available to support pathogenicity. Therefore, this variant is classified as a Variant of Uncertain Significance (VUS).

Literature cited by the submitters: PMC 28492532 (cited by Department of Pediatrics, The First Affiliated Hospital of Wenzhou Medical University); PMC 25741868 (cited by Department of Pediatrics, The First Affiliated Hospital of Wenzhou Medical University).

NM_000384.3(APOB):c.1722T>G (p.Ile574Met)

Gene: APOB (apolipoprotein B; minus strand). Cytogenetic location: 2p24.1.
Variant type: single nucleotide variant.
Coding change: c.1722T>G on transcript NM_000384.3 (MANE Select); coding-DNA position 1722, T replaced by G.
Protein change: p.Ile574Met; replaces isoleucine 574 with methionine.
Molecular consequence: missense variant.
Genome position (GRCh38, 1-based): chr2:21,028,434, A>C on the plus strand (T>G on the coding strand, the complement: APOB is on the minus strand). VCF-style: chr2-21028434-A-C. GRCh37 (hg19) VCF-style: chr2-21251306-A-C.
Other names: short protein forms I574M.
Identifiers: ClinVar variation 4789297 (VCV004789297.2).
Genomic context (GRCh38, chr2:21,028,434, plus strand): 5'-AGCCACAAAGTTCTTCACTTGCTCATTCTGTTCCCATGGTAGAATTTGGACAATTTTGTT[A>C]ATATCTGCCTGTGAAGGACTCCTCATCAACATAAGATAGGCAGCCAGTCGCTTATCTCCC-3'
Protein context (NP_000375.3, residues 564-584): MLMRSPSQAD[Ile574Met]NKIVQILPWE